The following is an entry in ClinVar:

ClinVar aggregate classification (germline): Uncertain significance. Review status: criteria provided, multiple submitters, no conflicts (2 of 4 stars). 2 submissions from 2 submitters: Uncertain significance (2). Last evaluated 2025-03-21.

Conditions:
Hereditary cancer-predisposing syndrome. Also called: Hereditary Cancer Syndrome; Neoplastic Syndromes, Hereditary; Tumor predisposition; Hereditary neoplastic syndrome. Identifiers: Orphanet 140162, MedGen C0027672, MeSH D009386, MONDO:0015356.

gnomAD v4.1: 1 of 1,614,030 alleles (0.000062%); highest among the groups gnomAD compares: Non-Finnish European, 0.000085%; no homozygotes.

Submissions (2):

Ambry Genetics
Classification: Uncertain significance for Hereditary cancer-predisposing syndrome. Last evaluated: 2025-03-21. Review status: criteria provided, single submitter. Criteria: Ambry Variant Classification Scheme 2023. Collection method: clinical testing. Allele origin: germline.
Comment: The p.Y1822F variant (also known as c.5465A>T), located in coding exon 40 of the POLE gene, results from an A to T substitution at nucleotide position 5465. The tyrosine at codon 1822 is replaced by phenylalanine, an amino acid with highly similar properties. This amino acid position is highly conserved in available vertebrate species. In addition, the in silico prediction for this alteration is inconclusive. Based on the available evidence, the clinical significance of this variant remains unclear.

Labcorp Genetics (formerly Invitae), Labcorp
Classification: Uncertain significance. Last evaluated: 2023-07-03. Review status: criteria provided, single submitter. Criteria: Invitae Variant Classification Sherloc (09022015). Collection method: clinical testing. Allele origin: germline.
Comment: This variant has not been reported in the literature in individuals affected with POLE-related conditions. In summary, the available evidence is currently insufficient to determine the role of this variant in disease. Therefore, it has been classified as a Variant of Uncertain Significance. Advanced modeling of protein sequence and biophysical properties (such as structural, functional, and spatial information, amino acid conservation, physicochemical variation, residue mobility, and thermodynamic stability) performed at Invitae indicates that this missense variant is not expected to disrupt POLE protein function. ClinVar contains an entry for this variant (Variation ID: 1747688). This variant is not present in population databases (gnomAD no frequency). This sequence change replaces tyrosine, which is neutral and polar, with phenylalanine, which is neutral and non-polar, at codon 1822 of the POLE protein (p.Tyr1822Phe).

NM_006231.4(POLE):c.5465A>T (p.Tyr1822Phe)

Gene: POLE (DNA polymerase epsilon, catalytic subunit; minus strand). Cytogenetic location: 12q24.33.
Variant type: single nucleotide variant.
Coding change: c.5465A>T on transcript NM_006231.4 (MANE Select); coding-DNA position 5465, A replaced by T.
Protein change: p.Tyr1822Phe; replaces tyrosine 1822 with phenylalanine.
Molecular consequence: missense variant.
Genome position (GRCh38, 1-based): chr12:132,639,212, T>A on the plus strand (A>T on the coding strand, the complement: POLE is on the minus strand). VCF-style: chr12-132639212-T-A. GRCh37 (hg19) VCF-style: chr12-133215798-T-A.
Other names: short protein forms Y1822F.
Identifiers: ClinVar variation 1747688 (VCV001747688.6), dbSNP rs1002181208, ClinGen allele CA387374713.
Genomic context (GRCh38, chr12:132,639,212, plus strand): 5'-TGGAGTGTGCGGTGCAGGGCAGGGTCATGAAGCAGAGAGGATGGCGACCGAAGCCAGCGG[T>A]AGAAGTGCATCACCTGGTTGTCTGCATAGATGTTGTGGTACTGGGTGATCTCCTTCACCC-3'
Protein context (NP_006222.2, residues 1812-1832): IYADNQVMHF[Tyr1822Phe]RWLRSPSSLL